The following is an entry in ClinVar:

ClinVar aggregate classification (germline): Uncertain significance (1 of 4 stars; one submission).

Submission:

GeneDx
Classification: Uncertain significance. Last evaluated: 2023-06-15. Review status: criteria provided, single submitter. Criteria: GeneDx Variant Classification Process June 2021. Collection method: clinical testing. Allele origin: germline. Affected: yes.
Comment: Not observed at significant frequency in large population cohorts (gnomAD); In silico analysis supports that this missense variant has a deleterious effect on protein structure/function; Has not been previously published as pathogenic or benign to our knowledge; Variants in candidate genes are classified as variants of uncertain significance in accordance with ACMG guidelines (Richards et al., 2015)

NM_001079843.3(CASZ1):c.3722A>T (p.His1241Leu)

Gene: CASZ1 (castor zinc finger 1; minus strand). Cytogenetic location: 1p36.22.
Variant type: single nucleotide variant.
Coding change: c.3722A>T on transcript NM_001079843.3 (MANE Select); coding-DNA position 3722, A replaced by T.
Protein change: p.His1241Leu; replaces histidine 1241 with leucine.
Molecular consequence: missense variant.
Genome position (GRCh38, 1-based): chr1:10,645,063, T>A on the plus strand (A>T on the coding strand, the complement: CASZ1 is on the minus strand). VCF-style: chr1-10645063-T-A. GRCh37 (hg19) VCF-style: chr1-10705120-T-A.
Other names: short protein forms H1241L.
Identifiers: ClinVar variation 3360024 (VCV003360024.1).
Genomic context (GRCh38, chr1:10,645,063, plus strand): 5'-CAGGGGAGCTTGGTGGTGATGTTGGTCACAAAATAGCAGCCGGTGCGGAGGCAGTGGTAG[T>A]GCCCACGCATTCGGAACTCGCAGTGCTGCAGGGAGACACGGGAGGGTCAGGACAGGCGGG-3'
Protein context (NP_001073312.1, residues 1231-1251): NQHCEFRMRG[His1241Leu]YHCLRTGCYF